The following is an entry in ClinVar:

ClinVar aggregate classification (germline): Uncertain significance (1 of 4 stars; one submission).

Submission:

Laboratory for Molecular Medicine, Mass General Brigham Personalized Medicine
Classification: Uncertain significance. Last evaluated: 2017-04-25. Review status: criteria provided, single submitter. Criteria: LMM Criteria. Collection method: clinical testing. Allele origin: germline. Observed: 1 variant allele.
Comment: The p.Val2512_Pro2518dup variant in MYO15A has not been previously reported in i ndividuals with hearing loss or in large population studies, though the ability of these studies to accurately detect indels may be limited. This variant is a duplication of 7 amino acids at position 2512 and is not predicted to alter the protein reading-frame. It is unclear if this duplication will impact the prote in, though the amino acid sequence in this region of the protein is not highly c onserved through species. In summary, the clinical significance of this variant is uncertain.

NM_016239.4(MYO15A):c.7533_7553dup (p.Val2512_Pro2518dup)

Gene: MYO15A (myosin XVA; plus strand). Cytogenetic location: 17p11.2.
Variant type: Duplication.
Coding change: c.7533_7553dup on transcript NM_016239.4 (MANE Select); coding-DNA positions 7533 to 7553, 21 bases duplicated (CGTGCTCCTGCGTGCCACTCC).
Protein change: p.Val2512_Pro2518dup.
Molecular consequence: inframe insertion.
Genome position (GRCh38, 1-based): chr17:18,151,169-18,151,189, CGTGCTCCTGCGTGCCACTCC duplicated; duplicating any 21 consecutive bases within chr17:18,151,167-18,151,189 gives the same sequence; the c. name uses the placement nearest the transcript's 3' end. VCF-style (leftmost placement, unchanged base first): chr17-18151166-A-ACCCGTGCTCCTGCGTGCCACT. GRCh37 (hg19) VCF-style: chr17-18054480-A-ACCCGTGCTCCTGCGTGCCACT.
Identifiers: ClinVar variation 517370 (VCV000517370.4), dbSNP rs1555546066, ClinGen allele CA658798730.